The following is an entry in ClinVar:

ClinVar aggregate classification (germline): Likely pathogenic (1 of 4 stars; one submission).

Conditions:
Mucopolysaccharidosis, MPS-IV-A (MPS4A). Also called: Morquio syndrome A, mild; MORQUIO SYNDROME A; GALACTOSAMINE-6-SULFATASE DEFICIENCY; GALNS DEFICIENCY; MORQUIO A DISEASE; Mucopolysaccharidosis type IV A. Identifiers: Orphanet 309297, Orphanet 582, MedGen C0086651, MONDO:0009659, OMIM 253000.

Submission:

Labcorp Genetics (formerly Invitae), Labcorp
Classification: Likely pathogenic for Mucopolysaccharidosis, MPS-IV-A. Last evaluated: 2024-11-18. Review status: criteria provided, single submitter. Criteria: Invitae Variant Classification Sherloc (09022015). Collection method: clinical testing. Allele origin: germline.
Comment: This sequence change replaces glycine, which is neutral and non-polar, with valine, which is neutral and non-polar, at codon 247 of the GALNS protein (p.Gly247Val). This variant is not present in population databases (gnomAD no frequency). This variant has not been reported in the literature in individuals affected with GALNS-related conditions. Invitae Evidence Modeling of protein sequence and biophysical properties (such as structural, functional, and spatial information, amino acid conservation, physicochemical variation, residue mobility, and thermodynamic stability) indicates that this missense variant is expected to disrupt GALNS protein function with a positive predictive value of 95%. This variant disrupts the p.Gly247 amino acid residue in GALNS. Other variant(s) that disrupt this residue have been determined to be pathogenic (PMID: 9298823, 15235041, 23876334). This suggests that this residue is clinically significant, and that variants that disrupt this residue are likely to be disease-causing. In summary, the currently available evidence indicates that the variant is pathogenic, but additional data are needed to prove that conclusively. Therefore, this variant has been classified as Likely Pathogenic.

Literature cited by the submitters: PubMed 9298823; PubMed 15235041; PubMed 23876334.

NM_000512.5(GALNS):c.740G>T (p.Gly247Val)

Gene: GALNS (galactosamine (N-acetyl)-6-sulfatase; minus strand). Cytogenetic location: 16q24.3.
Variant type: single nucleotide variant.
Coding change: c.740G>T on transcript NM_000512.5 (MANE Select); coding-DNA position 740, G replaced by T.
Protein change: p.Gly247Val; replaces glycine 247 with valine.
Molecular consequence: missense variant.
Genome position (GRCh38, 1-based): chr16:88,835,743, C>A on the plus strand (G>T on the coding strand, the complement: GALNS is on the minus strand). VCF-style: chr16-88835743-C-A. GRCh37 (hg19) VCF-style: chr16-88902151-C-A.
Other names: c.185G>T, p.Gly62Val (NM_001323543.2); c.758G>T, p.Gly253Val (NM_001323544.2); short protein forms G247V, G62V, G253V.
Identifiers: ClinVar variation 3681673 (VCV003681673.2).
Genomic context (GRCh38, chr16:88,835,743, plus strand): 5'-GGGCCTCCAGCGAGGTCTATGCTCCATGGAGCCAGGACTCACCGCCCTCGCTGACTGGTG[C>A]CCAAGAAGGGTTTGGAGGCATAGACGGGTGCGTGCGTGGCGTCGACAGCCCAGTAGAGGA-3'
Protein context (NP_000503.1, residues 237-257): APVYASKPFL[Gly247Val]TSQRGRYGDA